The following is an entry in ClinVar:

NM_001191061.2(SLC25A22):c.-10A>G

Gene: SLC25A22 (solute carrier family 25 member 22; minus strand). Cytogenetic location: 11p15.5.
Variant type: single nucleotide variant.
Coding change: c.-10A>G on transcript NM_001191061.2 (MANE Select); 10 bases upstream of the start codon, A replaced by G.
Molecular consequence: 5 prime UTR variant.
Genome position (GRCh38, 1-based): chr11:795,016, T>C on the plus strand (A>G on the coding strand, the complement: SLC25A22 is on the minus strand). VCF-style: chr11-795016-T-C. GRCh37 (hg19) VCF-style: chr11-795016-T-C.
Other names: c.-10A>G (NM_001191060.2, NM_001425334.1, NM_001425335.1 and 9 more transcripts); c.-333A>G (NM_001425344.1).
Identifiers: ClinVar variation 4998867 (VCV004998867.1).
Genomic context (GRCh38, chr11:795,016, plus strand): 5'-GTGAGGCACGCAGCCAGGACTGGAGTCTGACCTGATCTGCTTATCAGCCATTTAACTCGA[T>C]TGCACCCAGGTAGGAGCCGCAGAGGTGGACGCCAGGCCAGGCGGGGTGGAGGTGGAGGTG-3'

ClinVar aggregate classification (germline): Likely benign (1 of 4 stars; one submission).

Conditions:
SLC25A22-related disorder. Also called: SLC25A22-related condition.

gnomAD v4.1: 15 of 1,553,864 alleles (0.00097%); highest among the groups gnomAD compares: Non-Finnish European, 0.0013%; no homozygotes.

Submission:

PreventionGenetics, part of Exact Sciences
Classification: Likely benign for SLC25A22-related condition. Last evaluated: 2024-10-08. Review status: criteria provided, single submitter. Criteria: ACMG Guidelines, 2015. Collection method: clinical testing. Allele origin: germline.
Comment: This variant is classified as likely benign based on ACMG/AMP sequence variant interpretation guidelines (Richards et al. 2015 PMID: 25741868, with internal and published modifications).